The following is an entry in ClinVar:

NM_144631.6(ZNF513):c.544C>T (p.Arg182Cys)

Gene: ZNF513 (zinc finger protein 513; minus strand). Cytogenetic location: 2p23.3.
Variant type: single nucleotide variant.
Coding change: c.544C>T on transcript NM_144631.6 (MANE Select); coding-DNA position 544, C replaced by T.
Protein change: p.Arg182Cys; replaces arginine 182 with cysteine.
Molecular consequence: missense variant.
Genome position (GRCh38, 1-based): chr2:27,378,722, G>A on the plus strand (C>T on the coding strand, the complement: ZNF513 is on the minus strand). VCF-style: chr2-27378722-G-A. GRCh37 (hg19) VCF-style: chr2-27601589-G-A.
Other names: c.358C>T, p.Arg120Cys (NM_001201459.2); short protein forms R120C, R182C.
Identifiers: ClinVar variation 1062999 (VCV001062999.8), dbSNP rs370903861, ClinGen allele CA1578035.

ClinVar aggregate classification (germline): Uncertain significance. Review status: criteria provided, multiple submitters, no conflicts (2 of 4 stars). 2 submissions from 2 submitters: Uncertain significance (2). Last evaluated 2022-09-13.

Allele frequency attached by ClinVar (database versions not stated): gnomAD exomes 0.00002 and 0.00003; ExAC 0.00003; TOPMed 0.00005; gnomAD 0.00006 and 0.00007; ESP Exome Variant Server 0.00008.

Submissions (2):

Labcorp Genetics (formerly Invitae), Labcorp
Classification: Uncertain significance. Last evaluated: 2022-09-13. Review status: criteria provided, single submitter. Criteria: Invitae Variant Classification Sherloc (09022015). Collection method: clinical testing. Allele origin: germline.
Comment: This sequence change replaces arginine, which is basic and polar, with cysteine, which is neutral and slightly polar, at codon 182 of the ZNF513 protein (p.Arg182Cys). This variant is present in population databases (rs370903861, gnomAD 0.01%). In summary, the available evidence is currently insufficient to determine the role of this variant in disease. Therefore, it has been classified as a Variant of Uncertain Significance. Algorithms developed to predict the effect of missense changes on protein structure and function (SIFT, PolyPhen-2, Align-GVGD) all suggest that this variant is likely to be disruptive. ClinVar contains an entry for this variant (Variation ID: 1062999). This variant has not been reported in the literature in individuals affected with ZNF513-related conditions.

Blueprint Genetics
Classification: Uncertain significance. Last evaluated: 2022-06-28. Review status: criteria provided, single submitter. Criteria: ACMG Guidelines, 2015. Collection method: clinical testing. Allele origin: germline.